The following is an entry in ClinVar:

ClinVar aggregate classification (germline): Likely pathogenic (1 of 4 stars; one submission).

Conditions:
Tuberous sclerosis 1 (TSC1). Identifiers: Orphanet 805, MedGen C1854465, MONDO:0008612, OMIM 191100.

Submission:

Myriad Genetics, Inc.
Classification: Likely pathogenic for Tuberous sclerosis 1. Last evaluated: 2024-03-04. Review status: criteria provided, single submitter. Criteria: Myriad Autosomal Dominant, Autosomal Recessive and X-Linked Classification Criteria (2023). Collection method: clinical testing. Allele origin: unknown.
Comment: This variant is considered likely pathogenic. This variant occurs within a consensus splice junction and is predicted to result in abnormal mRNA splicing of either an out-of-frame exon or an in-frame exon necessary for protein stability and/or normal function.

NM_000368.5(TSC1):c.2392-2A>G

Gene: TSC1 (TSC complex subunit 1; minus strand). Cytogenetic location: 9q34.13.
Variant type: single nucleotide variant.
Coding change: c.2392-2A>G on transcript NM_000368.5 (MANE Select); the canonical splice acceptor site of the intron before coding-DNA position 2392, A replaced by G.
Molecular consequence: splice acceptor variant.
Genome position (GRCh38, 1-based): chr9:132,901,701, T>C on the plus strand (A>G on the coding strand, the complement: TSC1 is on the minus strand). VCF-style: chr9-132901701-T-C. GRCh37 (hg19) VCF-style: chr9-135777088-T-C.
Other names: c.2392-2A>G (NM_001406606.1, NM_001406592.1, NM_001406595.1 and 5 more transcripts); c.2389-2A>G (NM_001406600.1, NM_001406598.1, NM_001406608.1 and 4 more transcripts); c.2029-2A>G (NM_001406619.1, NM_001362177.2, NM_001406614.1 and 5 more transcripts); c.2026-2A>G (NM_001406622.1, NM_001406623.1, NM_001406620.1 and 2 more transcripts); c.2236-2A>G (NM_001406611.1, NM_001406613.1, NM_001406612.1); c.2239-2A>G (NM_001162427.2, NM_001406610.1); c.1438-2A>G (NM_001406628.1, NM_001406627.1); c.1441-2A>G (NM_001406626.1); and 3 more.
Identifiers: ClinVar variation 3148714 (VCV003148714.1), dbSNP rs2131710621, ClinGen allele CA375358849.